The following is an entry in ClinVar:

NM_018010.4(IFT57):c.914A>T (p.Lys305Met)

Gene: IFT57 (intraflagellar transport 57; minus strand). Cytogenetic location: 3q13.12.
Variant type: single nucleotide variant.
Coding change: c.914A>T on transcript NM_018010.4 (MANE Select); coding-DNA position 914, A replaced by T.
Protein change: p.Lys305Met; replaces lysine 305 with methionine.
Molecular consequence: missense variant.
Genome position (GRCh38, 1-based): chr3:108,166,921, T>A on the plus strand (A>T on the coding strand, the complement: IFT57 is on the minus strand). VCF-style: chr3-108166921-T-A. GRCh37 (hg19) VCF-style: chr3-107885768-T-A.
Other names: short protein forms K305M.
Identifiers: ClinVar variation 1444067 (VCV001444067.6), dbSNP rs779526531, ClinGen allele CA2526521.

ClinVar aggregate classification (germline): Uncertain significance (1 of 4 stars; one submission).

Allele frequency attached by ClinVar (database versions not stated): gnomAD 0.00001; gnomAD exomes 0.00001 and 0.00002; ExAC 0.00002.
gnomAD v4.1: 15 of 1,611,712 alleles (0.00093%); highest among the groups gnomAD compares: South Asian, 0.016%; no homozygotes.

Submission:

Labcorp Genetics (formerly Invitae), Labcorp
Classification: Uncertain significance. Last evaluated: 2021-08-14. Review status: criteria provided, single submitter. Criteria: Invitae Variant Classification Sherloc (09022015). Collection method: clinical testing. Allele origin: germline.
Comment: Algorithms developed to predict the effect of missense changes on protein structure and function (SIFT, PolyPhen-2, Align-GVGD) all suggest that this variant is likely to be disruptive. This sequence change replaces lysine with methionine at codon 305 of the IFT57 protein (p.Lys305Met). The lysine residue is highly conserved and there is a moderate physicochemical difference between lysine and methionine. This variant is present in population databases (rs779526531, ExAC 0.02%). This variant has not been reported in the literature in individuals affected with IFT57-related conditions. In summary, the available evidence is currently insufficient to determine the role of this variant in disease. Therefore, it has been classified as a Variant of Uncertain Significance.